The following is an entry in ClinVar:

NM_006245.4(PPP2R5D):c.758G>A (p.Arg253Gln)

Gene: PPP2R5D (protein phosphatase 2 regulatory subunit B'delta; plus strand). Cytogenetic location: 6p21.1.
Variant type: single nucleotide variant.
Coding change: c.758G>A on transcript NM_006245.4 (MANE Select); coding-DNA position 758, G replaced by A.
Protein change: p.Arg253Gln; replaces arginine 253 with glutamine.
Molecular consequence: missense variant.
Genome position (GRCh38, 1-based): chr6:43,007,966, G>A. VCF-style: chr6-43007966-G-A. GRCh37 (hg19) VCF-style: chr6-42975704-G-A.
Other names: c.305G>A, p.Arg102Gln (NM_001270476.2); c.662G>A, p.Arg221Gln (NM_180976.3); c.440G>A, p.Arg147Gln (NM_180977.3); short protein forms R253Q, R221Q, R102Q, R147Q.
Identifiers: ClinVar variation 429222 (VCV000429222.25), dbSNP rs1131691266, ClinGen allele CA364189186.

ClinVar aggregate classification (germline): Conflicting classifications of pathogenicity. Review status: criteria provided, conflicting classifications (1 of 4 stars). 9 submissions from 9 submitters: Pathogenic (2); Likely pathogenic (3); Uncertain significance (4). Last evaluated 2025-05-30.

Conditions:
Houge-Janssens syndrome 1. Also called: PPP2R5D-Related Neurodevelopmental Disorder; Intellectual disability-macrocephaly-hypotonia-behavioral abnormalities syndrome; INTELLECTUAL DEVELOPMENTAL DISORDER, AUTOSOMAL DOMINANT 35; Hogue-Janssens syndrome 1. Identifiers: Orphanet 457279, MedGen C5779996, MONDO:0014602, OMIM 616355.

Allele frequency attached by ClinVar (database versions not stated): gnomAD exomes below 0.00001 and 0.00001.
gnomAD v4.1: 4 of 1,614,150 alleles (0.00025%); highest among the groups gnomAD compares: East Asian, 0.0022%; no homozygotes.

Submissions (9):

Victorian Clinical Genetics Services, Murdoch Childrens Research Institute
Classification: Pathogenic for Houge-Janssens syndrome 1. Last evaluated: 2025-05-30. Review status: criteria provided, single submitter. Criteria: ACMG Guidelines, 2015. Collection method: clinical testing. Allele origin: germline. Affected: yes.
Comment: This variant is classified as Pathogenic. Evidence in support of pathogenic classification: Variant is present in gnomAD <0.001 for a dominant condition (v4: 4 heterozygote(s), 0 homozygote(s)); This variant has moderate previous evidence of pathogenicity in unrelated individuals. This variant has been classified as pathogenic, likely pathogenic and as a VUS by clinical laboratories in ClinVar. It has also been reported in the literature in three individuals, one confirmed de novo, with PPP2R5D-related features (PMID: 35813072, 36833222, 39825153); Other missense variant(s) comparable to the one identified in this case have moderate previous evidence for pathogenicity. p.(Arg253Gly) has been classified as pathogenic, and p.(Arg253Pro) has been classified as likely pathogenic and pathogenic by clinical laboratories in ClinVar and reported in the literature in an individual with PPP2R5D-related features (PMID: 36216457); Variant is located in a hotspot region or cluster of PATHOGENIC variants (DECIPHER, PMID: 39201832); Additional information: Variant is predicted to result in a missense amino acid change from arginine to glutamine; This variant is heterozygous; This gene is associated with autosomal dominant disease; No published functional evidence has been identified for this variant; Missense variant with inconclusive in silico prediction and/or uninformative conservation; The mechanism of disease for this gene is not clearly established. While loss-of-function has been demonstrated, dominant-negative has been proposed as a disease mechanism (PMID: 32074998, 26168268).

GeneDx
Classification: Pathogenic. Last evaluated: 2025-03-28. Review status: criteria provided, single submitter. Criteria: GeneDx Variant Classification Process June 2021. Collection method: clinical testing. Allele origin: germline. Affected: yes.
Comment: Reported heterozygous in a patient with autism and intellectual disability in published literature without additional clinical information or familial segregation information (PMID: 35813072, 37167322); In silico analysis supports that this missense variant has a deleterious effect on protein structure/function; This variant is associated with the following publications: (PMID: 35813072, 36833222, 37167322)

Center of Human Genetics, Hôpital Erasme
Classification: Likely pathogenic for Houge-Janssens syndrome 1. Last evaluated: 2025-01-01. Review status: criteria provided, single submitter. Criteria: ACMG Guidelines, 2015. Collection method: clinical testing. Allele origin: de novo. Affected: yes.

Genomic Medicine Center of Excellence, King Faisal Specialist Hospital and Research Centre
Classification: Uncertain significance for Houge-Janssens syndrome 1. Last evaluated: 2024-04-04. Review status: criteria provided, single submitter. Criteria: ACMG Guidelines, 2015. Collection method: clinical testing. Allele origin: germline.

Labcorp Genetics (formerly Invitae), Labcorp
Classification: Uncertain significance. Last evaluated: 2022-03-12. Review status: criteria provided, single submitter. Criteria: Invitae Variant Classification Sherloc (09022015). Collection method: clinical testing. Allele origin: germline.
Comment: This variant has not been reported in the literature in individuals affected with PPP2R5D-related conditions. This sequence change replaces arginine, which is basic and polar, with glutamine, which is neutral and polar, at codon 253 of the PPP2R5D protein (p.Arg253Gln). This variant is present in population databases (no rsID available, gnomAD 0.0009%). ClinVar contains an entry for this variant (Variation ID: 429222). Algorithms developed to predict the effect of missense changes on protein structure and function (SIFT, PolyPhen-2, Align-GVGD) all suggest that this variant is likely to be disruptive. In summary, the available evidence is currently insufficient to determine the role of this variant in disease. Therefore, it has been classified as a Variant of Uncertain Significance.

Genomic Research Center, Shahid Beheshti University of Medical Sciences
Classification: Uncertain significance for Mental retardation, autosomal dominant 35. Last evaluated: 2020-05-03. Review status: criteria provided, single submitter. Criteria: ACMG Guidelines, 2015. Collection method: clinical testing. Allele origin: unknown.

Geisinger Autism and Developmental Medicine Institute, Geisinger Health System
Classification: Uncertain significance for Houge-Janssens syndrome 1. Last evaluated: 2017-10-31. Review status: criteria provided, single submitter. Criteria: ACMG Guidelines, 2015. Collection method: provider interpretation, clinical testing. Allele origin: paternal. Observed: 1 variant allele.
Comment: This variant is absent from gnomAD but present in ExAC at a frequency of 0.0008121% overall. Computational models suggest that this variant is probably damaging to protein structure and/or function. Pathogenic de novo missense variants in PPP2R5D have been reported in individuals with intellectual disability, autism spectrum disorder, macrocephaly, hypotonia, increased height, seizures, and dysmorphic features (PMID:25972378; PMID:26576547).

Juno Genomics, Hangzhou Juno Genomics, Inc
Classification: Likely pathogenic for Houge-Janssens syndrome 1. Review status: criteria provided, single submitter. Criteria: ACMG Guidelines, 2015. Collection method: clinical testing. Allele origin: germline. Affected: yes.
Comment: Absent from controls (or at extremely low frequency if recessive) in Genome Aggregation Database, Exome Sequencing Project, 1000 Genomes Project, or Exome Aggregation Consortium.;The prevalence of the variant in affected individuals is significantly increased compared to the prevalence in controls.;Assumed de novo, but without confirmation of paternity and maternity.;Novel missense change at an amino acid residue where a different missense change determined to be pathogenic has been seen before.;Missense variant in a gene that has a low rate of benign missense variation and where missense variants are a common mechanism of disease.;Located in a mutational hot spot and/or critical and well-established functional domain (e.g. active site of an enzyme) without benign variation.

Lifecell International Pvt. Ltd
Classification: Likely pathogenic for Houge-Janssens syndrome 1. Review status: criteria provided, single submitter. Criteria: ACMG Guidelines, 2015. Collection method: clinical testing. Allele origin: germline. Inheritance: Autosomal dominant inheritance. Affected: yes. Observed: 1 heterozygote.
Comment: A Heterozygous Missense variant c.758G>A in Exon 7 of the PPP2R5D gene that results in the amino acid substitution p.Arg253Gln was identified. The observed variant has a minor allele frequency of 0.00001% in gnomAD exomes, respectively. The severity of the impact of this variant on the protein is high, based on the effect of the protein and REVEL score. Rare Exome Variant Ensemble Learner (REVEL) is an ensembl method for predicting the pathogenicity of missense variants based on a combination of scores from 13 individual tools: MutPred, FATHMM v2.3, VEST 3.0, PolyPhen-2, SIFT, PROVEAN, MutationAssessor, MutationTaster, LRT, GERP++, SiPhy, phyloP, and phastCons. The REVEL score for an individual missense variant can range from 0 to 1, with higher scores reflecting greater likelihood that the variant is disease-causing. ClinVar has also classified this variant as Likely Pathogenic and Uncertain Significance (variant ID: 429222). This variant has previously been reported for neurodevelopmental disorders (Krgovic D et al., 2022). Based on the above evidence this variant has been classified as Likely Pathogenic according to the ACMG guidelines.

Literature cited by the submitters: PubMed 39201832 (cited by Victorian Clinical Genetics Services, Murdoch Childrens Research Institute); PubMed 26168268 (cited by Victorian Clinical Genetics Services, Murdoch Childrens Research Institute); PubMed 36216457 (cited by Victorian Clinical Genetics Services, Murdoch Childrens Research Institute); PubMed 36833222 (cited by Victorian Clinical Genetics Services, Murdoch Childrens Research Institute); PubMed 32074998 (cited by Victorian Clinical Genetics Services, Murdoch Childrens Research Institute); PubMed 39825153 (cited by Victorian Clinical Genetics Services, Murdoch Childrens Research Institute); PubMed 35813072 (cited by Victorian Clinical Genetics Services, Murdoch Childrens Research Institute and Lifecell International Pvt. Ltd); PubMed 25972378 (cited by Geisinger Autism and Developmental Medicine Institute, Geisinger Health System); PubMed 26576547 (cited by Geisinger Autism and Developmental Medicine Institute, Geisinger Health System).